The following is an entry in ClinVar:

ClinVar aggregate classification (germline): Likely benign. Review status: criteria provided, multiple submitters, no conflicts (2 of 4 stars). 4 submissions from 4 submitters: Likely benign (2). 2 of the submissions do not count toward it. Last evaluated 2026-01-25.

Conditions:
MLC1-related disorder. Also called: MLC1-related condition.
Megalencephalic leukoencephalopathy with subcortical cysts. Also called: VAN DER KNAAP DISEASE. Identifiers: Orphanet 2478, MedGen C1858854, MONDO:0011391.

Allele frequency attached by ClinVar (database versions not stated): gnomAD 0.00021; TOPMed 0.00033; 1000 Genomes Project 0.00040; 1000 Genomes Project 30x 0.00047.

Submissions (4):

Labcorp Genetics (formerly Invitae), Labcorp
Classification: Likely benign. Last evaluated: 2026-01-25. Review status: criteria provided, single submitter. Criteria: Invitae Variant Classification Sherloc (09022015). Collection method: clinical testing. Allele origin: germline.

Women's Health and Genetics/Laboratory Corporation of America, LabCorp
Classification: Likely benign. Last evaluated: 2025-03-19. Review status: criteria provided, single submitter. Criteria: LabCorp Variant Classification Summary - May 2015. Collection method: clinical testing. Allele origin: germline.
Comment: Variant summary: MLC1 c.76G>A (p.Ala26Thr) results in a non-conservative amino acid change in the encoded protein sequence. Four of five in-silico tools predict a benign effect of the variant on protein function. The variant allele was found at a frequency of 0.00054 in 250670 control chromosomes, predominantly at a frequency of 0.0036 within the Latino subpopulation in the gnomAD database. The observed variant frequency within Latino control individuals in the gnomAD database is approximately 3 fold of the estimated maximal expected allele frequency for a pathogenic variant in MLC1 causing Megalencephalic Leukoencephalopathy With Subcortical Cysts 1 phenotype (0.0011). To our knowledge, no occurrence of c.76G>A in individuals affected with Megalencephalic Leukoencephalopathy With Subcortical Cysts 1 and no experimental evidence demonstrating its impact on protein function have been reported. ClinVar contains an entry for this variant (Variation ID: 727189). Based on the evidence outlined above, the variant was classified as likely benign.

PreventionGenetics, part of Exact Sciences
Classification: Likely benign for MLC1-related condition. Last evaluated: 2023-01-12. Review status: no assertion criteria provided. Collection method: clinical testing. Allele origin: germline. Not counted in ClinVar's aggregate classification.
Comment: This variant is classified as likely benign based on ACMG/AMP sequence variant interpretation guidelines (Richards et al. 2015 PMID: 25741868, with internal and published modifications).

Natera, Inc.
Classification: Likely benign for Megalencephalic leukoencephalopathy with subcortical cysts. Last evaluated: 2020-09-16. Review status: no assertion criteria provided. Collection method: clinical testing. Allele origin: germline. Not counted in ClinVar's aggregate classification.

NM_015166.4(MLC1):c.76G>A (p.Ala26Thr)

Gene: MLC1 (modulator of VRAC current 1; minus strand). Cytogenetic location: 22q13.33.
Variant type: single nucleotide variant.
Coding change: c.76G>A on transcript NM_015166.4 (MANE Select); coding-DNA position 76, G replaced by A.
Protein change: p.Ala26Thr; replaces alanine 26 with threonine.
Molecular consequence: missense variant. On other transcripts: non-coding transcript variant (3), intron variant (1).
Genome position (GRCh38, 1-based): chr22:50,084,827, C>T on the plus strand (G>A on the coding strand, the complement: MLC1 is on the minus strand). VCF-style: chr22-50084827-C-T. GRCh37 (hg19) VCF-style: chr22-50523256-C-T.
Other names: c.76G>A, p.Ala26Thr (NM_001376472.1, NM_001376473.1, NM_001376474.1 and 10 more transcripts); c.-59+528G>A (NM_001376484.1); short protein forms A26T.
Identifiers: ClinVar variation 727189 (VCV000727189.15), dbSNP rs201522059, ClinGen allele CA10303686.